The following is an entry in ClinVar:

ClinVar aggregate classification (germline): Benign/Likely benign. Review status: criteria provided, multiple submitters, no conflicts (2 of 4 stars). 3 submissions from 3 submitters: Benign (1); Likely benign (2). Last evaluated 2025-03-06.

Conditions:
Hereditary cancer-predisposing syndrome. Also called: Neoplastic Syndromes, Hereditary; Tumor predisposition; Hereditary Cancer Syndrome; Hereditary neoplastic syndrome. Identifiers: Orphanet 140162, MedGen C0027672, MeSH D009386, MONDO:0015356.
Familial adenomatous polyposis 1 (FAP1). Also called: FAMILIAL ADENOMATOUS POLYPOSIS 1, ATTENUATED; POLYPOSIS, ADENOMATOUS INTESTINAL. Identifiers: MedGen C2713442, MONDO:0021056, OMIM 175100. Disease mechanism: loss of function.

Allele frequency attached by ClinVar (database versions not stated): gnomAD exomes below 0.00001.
gnomAD v4.1: 3 of 1,614,000 alleles (0.00019%); highest among the groups gnomAD compares: Non-Finnish European, 0.00025%; no homozygotes.

Submissions (3):

Ambry Genetics
Classification: Likely benign for Hereditary cancer-predisposing syndrome. Last evaluated: 2025-03-06. Review status: criteria provided, single submitter. Criteria: Ambry Variant Classification Scheme 2023. Collection method: clinical testing. Allele origin: germline.

Myriad Genetics, Inc.
Classification: Benign for Familial adenomatous polyposis 1. Last evaluated: 2024-04-02. Review status: criteria provided, single submitter. Criteria: Myriad Autosomal Dominant, Autosomal Recessive and X-Linked Classification Criteria (2023). Collection method: clinical testing. Allele origin: unknown.
Comment: This variant is considered benign. This variant is a silent/synonymous amino acid change and it is not expected to impact splicing.

Color Diagnostics, LLC DBA Color Health
Classification: Likely benign for Hereditary cancer-predisposing syndrome. Last evaluated: 2018-11-27. Review status: criteria provided, single submitter. Criteria: ACMG Guidelines, 2015. Collection method: clinical testing. Allele origin: germline.

NM_000038.6(APC):c.5583T>C (p.Ser1861=)

Gene: APC (APC regulator of Wnt signaling pathway; plus strand). Cytogenetic location: 5q22.2.
Variant type: single nucleotide variant.
Coding change: c.5583T>C on transcript NM_000038.6 (MANE Select); coding-DNA position 5583, T replaced by C.
Protein change: p.Ser1861=; no amino-acid change (serine 1861 retained).
Molecular consequence: synonymous variant.
Genome position (GRCh38, 1-based): chr5:112,841,177, T>C. VCF-style: chr5-112841177-T-C. GRCh37 (hg19) VCF-style: chr5-112176874-T-C.
Other names: c.5583T>C, p.Ser1861= (NM_001127510.3, NM_001354895.2); c.5529T>C, p.Ser1843= (NM_001127511.3); c.5637T>C, p.Ser1879= (NM_001354896.2); c.5613T>C, p.Ser1871= (NM_001354897.2); c.5508T>C, p.Ser1836= (NM_001354898.2); c.5499T>C, p.Ser1833= (NM_001354899.2); c.5460T>C, p.Ser1820= (NM_001354900.2); c.5406T>C, p.Ser1802= (NM_001354901.2); and 5 more.
Identifiers: ClinVar variation 920719 (VCV000920719.4), dbSNP rs1765985057, ClinGen allele CA446208950.